The following is an entry in ClinVar:

ClinVar aggregate classification (germline): Uncertain significance (1 of 4 stars; one submission).

Conditions:
Cardiovascular phenotype. Identifiers: MedGen CN230736.

Submission:

Ambry Genetics
Classification: Uncertain significance for Cardiovascular phenotype. Last evaluated: 2025-03-23. Review status: criteria provided, single submitter. Criteria: Ambry Variant Classification Scheme 2023. Collection method: clinical testing. Allele origin: germline.
Comment: The p.T350R variant (also known as c.1049C>G), located in coding exon 8 of the ABCG5 gene, results from a C to G substitution at nucleotide position 1049. The threonine at codon 350 is replaced by arginine, an amino acid with similar properties. This amino acid position is conserved. In addition, this alteration is predicted to be tolerated by in silico analysis. Based on the available evidence, the clinical significance of this variant remains unclear.

NM_022436.3(ABCG5):c.1049C>G (p.Thr350Arg)

Genes: ABCG5 (ATP binding cassette subfamily G member 5; minus strand), DYNC2LI1 (dynein cytoplasmic 2 light intermediate chain 1; plus strand). Cytogenetic location: 2p21.
Variant type: single nucleotide variant.
Coding change: c.1049C>G on transcript NM_022436.3 (MANE Select); coding-DNA position 1049, C replaced by G.
Protein change: p.Thr350Arg; replaces threonine 350 with arginine.
Molecular consequence: missense variant. On other transcripts: intron variant (2).
Genome position (GRCh38, 1-based): chr2:43,824,288, G>C on the plus strand (C>G on the coding strand, the complement: ABCG5 is on the minus strand). VCF-style: chr2-43824288-G-C. GRCh37 (hg19) VCF-style: chr2-44051427-G-C.
Other names: c.*16-3098G>C (NM_001348913.2, NM_001348912.2); short protein forms T350R.
Identifiers: ClinVar variation 3129710 (VCV003129710.2), dbSNP rs148131742, ClinGen allele CA346664605.